The following is an entry in ClinVar:

ClinVar aggregate classification (germline): Uncertain significance (1 of 4 stars; one submission).

Conditions:
CREBBP-related disorder. Also called: CREBBP-related condition; CREBBP-related disorders.

Submission:

PreventionGenetics, part of Exact Sciences
Classification: Uncertain significance for CREBBP-related condition. Last evaluated: 2026-02-25. Review status: criteria provided, single submitter. Criteria: ACMG Guidelines, 2015. Collection method: clinical testing. Allele origin: germline.
Comment: The CREBBP c.6704A>C variant is predicted to result in the amino acid substitution p.Gln2235Pro. To our knowledge, this variant has not been reported in the literature or in a large population database (gnomAD), indicating this variant is rare. Statistical evidence in gnomAD suggests the CREBBP gene is intolerant of missense variation. At this time, the clinical significance of this variant is uncertain due to the absence of conclusive functional and genetic evidence.

NM_004380.3(CREBBP):c.6704A>C (p.Gln2235Pro)

Gene: CREBBP (CREB binding lysine acetyltransferase; minus strand). Cytogenetic location: 16p13.3.
Variant type: single nucleotide variant.
Coding change: c.6704A>C on transcript NM_004380.3 (MANE Select); coding-DNA position 6704, A replaced by C.
Protein change: p.Gln2235Pro; replaces glutamine 2235 with proline.
Molecular consequence: missense variant.
Genome position (GRCh38, 1-based): chr16:3,728,343, T>G on the plus strand (A>C on the coding strand, the complement: CREBBP is on the minus strand). VCF-style: chr16-3728343-T-G. GRCh37 (hg19) VCF-style: chr16-3778344-T-G.
Other names: c.6590A>C, p.Gln2197Pro (NM_001079846.1); short protein forms Q2235P, Q2197P.
Identifiers: ClinVar variation 4977847 (VCV004977847.1).